The following is an entry in ClinVar:

ClinVar aggregate classification (germline): Likely pathogenic (1 of 4 stars; one submission).

Submission:

Labcorp Genetics (formerly Invitae), Labcorp
Classification: Likely pathogenic. Last evaluated: 2022-05-08. Review status: criteria provided, single submitter. Criteria: Invitae Variant Classification Sherloc (09022015). Collection method: clinical testing. Allele origin: germline.
Comment: Advanced modeling of protein sequence and biophysical properties (such as structural, functional, and spatial information, amino acid conservation, physicochemical variation, residue mobility, and thermodynamic stability) performed at Invitae indicates that this missense variant is expected to disrupt KCNQ4 protein function. This variant has not been reported in the literature in individuals affected with KCNQ4-related conditions. This variant is not present in population databases (gnomAD no frequency). This sequence change replaces glycine, which is neutral and non-polar, with cysteine, which is neutral and slightly polar, at codon 296 of the KCNQ4 protein (p.Gly296Cys). In summary, the currently available evidence indicates that the variant is pathogenic, but additional data are needed to prove that conclusively. Therefore, this variant has been classified as Likely Pathogenic. This variant disrupts the p.Gly296 amino acid residue in KCNQ4. Other variant(s) that disrupt this residue have been determined to be pathogenic (PMID: 28340560). This suggests that this residue is clinically significant, and that variants that disrupt this residue are likely to be disease-causing.

Literature cited by the submitters: PubMed 28340560.

NM_004700.4(KCNQ4):c.886G>T (p.Gly296Cys)

Gene: KCNQ4 (potassium voltage-gated channel subfamily Q member 4; plus strand). Cytogenetic location: 1p34.2.
Variant type: single nucleotide variant.
Coding change: c.886G>T on transcript NM_004700.4 (MANE Select); coding-DNA position 886, G replaced by T.
Protein change: p.Gly296Cys; replaces glycine 296 with cysteine.
Molecular consequence: missense variant.
Genome position (GRCh38, 1-based): chr1:40,819,926, G>T. VCF-style: chr1-40819926-G-T. GRCh37 (hg19) VCF-style: chr1-41285598-G-T.
Other names: c.886G>T, p.Gly296Cys (NM_172163.3); short protein forms G296C.
Identifiers: ClinVar variation 2135429 (VCV002135429.4), dbSNP rs80358279, ClinGen allele CA339895964.